The following is an entry in ClinVar:

ClinVar aggregate classification (germline): Conflicting classifications of pathogenicity. Review status: criteria provided, conflicting classifications (1 of 4 stars). 3 submissions from 3 submitters: Pathogenic (1); Likely pathogenic (1); Uncertain significance (1). Last evaluated 2025-06-04.

Conditions:
Intellectual disability. Also called: Intellectual functioning disability; intellectual disabilities; Intellectual developmental disorder. Identifiers: MedGen C3714756, MeSH D008607, MONDO:0001071, HP:0001249.
Hypotonia, ataxia, and delayed development syndrome (HADDS). Also called: EBF3 Neurodevelopmental Disorder. Identifiers: Orphanet 658843, MedGen C4310618, MONDO:0015021, OMIM 617330.

Allele frequency attached by ClinVar (database versions not stated): gnomAD exomes below 0.00001.
gnomAD v4.1: 1 of 1,613,472 alleles (0.000062%); highest among the groups gnomAD compares: Non-Finnish European, 0.000085%; no homozygotes.

Submissions (3):

GeneDx
Classification: Pathogenic. Last evaluated: 2025-06-04. Review status: criteria provided, single submitter. Criteria: GeneDx Variant Classification Process June 2021. Collection method: clinical testing. Allele origin: germline. Affected: yes.
Comment: Nonsense variant predicted to result in protein truncation or nonsense mediated decay in a gene for which loss of function is a known mechanism of disease; Has not been previously published as pathogenic or benign to our knowledge

Institute of Human Genetics, University of Leipzig Medical Center
Classification: Uncertain significance for Hypotonia, ataxia, and delayed development syndrome. Last evaluated: 2022-04-04. Review status: criteria provided, single submitter. Criteria: ACMG Guidelines, 2015. Collection method: clinical testing. Allele origin: unknown. Affected: yes.
Comment: _x000D_ Criteria applied: PVS1

Equipe Genetique des Anomalies du Developpement, Université de Bourgogne
Classification: Likely pathogenic for Intellectual disability. Review status: criteria provided, single submitter. Criteria: ACMG Guidelines, 2015. Collection method: research. Allele origin: maternal. Affected: yes.

NM_001375380.1(EBF3):c.1408C>T (p.Arg470Ter)

Gene: EBF3 (EBF transcription factor 3; minus strand). Cytogenetic location: 10q26.3.
Variant type: single nucleotide variant.
Coding change: c.1408C>T on transcript NM_001375380.1 (MANE Select); coding-DNA position 1408, C replaced by T.
Protein change: p.Arg470Ter; replaces arginine 470 with a stop codon.
Molecular consequence: nonsense. On other transcripts: intron variant (1).
Genome position (GRCh38, 1-based): chr10:129,840,997, G>A on the plus strand (C>T on the coding strand, the complement: EBF3 is on the minus strand). VCF-style: chr10-129840997-G-A. GRCh37 (hg19) VCF-style: chr10-131639261-G-A.
Other names: c.1381C>T (NM_001005463.2); c.1381C>T, p.Arg461Ter (NM_001005463.3, NM_001375390.1); c.1408C>T, p.Arg470Ter (NM_001375379.1, NM_001375389.1, NM_001375391.1); c.1346-555C>T (NM_001375392.1); short protein forms R461*, R470*.
Identifiers: ClinVar variation 1172640 (VCV001172640.5), dbSNP rs1259041590, ClinGen allele CA378718690.